The following is an entry in ClinVar:

ClinVar aggregate classification (germline): Uncertain significance (1 of 4 stars; one submission).

Allele frequency attached by ClinVar (database versions not stated): gnomAD 0.00001; gnomAD exomes 0.00001; TOPMed 0.00001; ESP Exome Variant Server 0.00008; ExAC 0.00001.
gnomAD v4.1: 12 of 1,611,548 alleles (0.00074%); highest among the groups gnomAD compares: South Asian, 0.0011%; no homozygotes.

Submission:

Labcorp Genetics (formerly Invitae), Labcorp
Classification: Uncertain significance. Last evaluated: 2025-08-10. Review status: criteria provided, single submitter. Criteria: Invitae Variant Classification Sherloc (09022015). Collection method: clinical testing. Allele origin: germline.
Comment: This sequence change replaces arginine, which is basic and polar, with cysteine, which is neutral and slightly polar, at codon 632 of the PDE4D protein (p.Arg632Cys). This variant is present in population databases (rs374011584, gnomAD 0.003%). This variant has not been reported in the literature in individuals affected with PDE4D-related conditions. ClinVar contains an entry for this variant (Variation ID: 2754186). Invitae Evidence Modeling of protein sequence and biophysical properties (such as structural, functional, and spatial information, amino acid conservation, physicochemical variation, residue mobility, and thermodynamic stability) indicates that this missense variant is expected to disrupt PDE4D protein function with a positive predictive value of 80%. In summary, the available evidence is currently insufficient to determine the role of this variant in disease. Therefore, it has been classified as a Variant of Uncertain Significance.

NM_001104631.2(PDE4D):c.1894C>T (p.Arg632Cys)

Gene: PDE4D (phosphodiesterase 4D; minus strand). Cytogenetic location: 5q11.2.
Variant type: single nucleotide variant.
Coding change: c.1894C>T on transcript NM_001104631.2 (MANE Select); coding-DNA position 1894, C replaced by T.
Protein change: p.Arg632Cys; replaces arginine 632 with cysteine.
Molecular consequence: missense variant.
Genome position (GRCh38, 1-based): chr5:58,975,776, G>A on the plus strand (C>T on the coding strand, the complement: PDE4D is on the minus strand). VCF-style: chr5-58975776-G-A. GRCh37 (hg19) VCF-style: chr5-58271603-G-A.
Other names: c.1711C>T, p.Arg571Cys (NM_001165899.2, NM_001364599.1); c.1702C>T, p.Arg568Cys (NM_001197218.2); c.1528C>T, p.Arg510Cys (NM_001197219.2); c.1504C>T, p.Arg502Cys (NM_001197220.2); c.988C>T, p.Arg330Cys (NM_001197221.2, NM_001364603.1); c.1222C>T, p.Arg408Cys (NM_001197222.2); c.1021C>T, p.Arg341Cys (NM_001197223.2); c.1681C>T, p.Arg561Cys (NM_001349241.2); and 3 more; short protein forms R330C, R510C, R408C, R632C, R341C, R522C, R568C, R376C.
Identifiers: ClinVar variation 2754186 (VCV002754186.3), dbSNP rs374011584, ClinGen allele CA3275970.